The following continues an entry in ClinVar:

NM_001276345.2(TNNT2):c.452G>A (p.Arg151Gln)

Gene: TNNT2. ClinVar aggregate classification (germline): Conflicting classifications of pathogenicity. Pathogenic (2); Likely pathogenic (8); Uncertain significance (3); VUS-mid (1).

Submissions 10 to 15 of 15:

All of Us Research Program, National Institutes of Health
Classification: Uncertain significance for Cardiomyopathy. Last evaluated: 2023-12-01. Review status: criteria provided, single submitter. Criteria: ACMG Guidelines, 2015. Collection method: clinical testing. Allele origin: germline. Inheritance: Autosomal dominant inheritance. Observed: 6 variant alleles, 6 heterozygotes.
Comment: This missense variant replaces arginine with glutamine at codon 141 of the TNNT2 protein. Computational prediction is inconclusive regarding the impact of this variant on protein structure and function (internally defined REVEL score threshold 0.5 < inconclusive < 0.7, PMID: 27666373). To our knowledge, functional studies have not been reported for this variant. This variant has been reported in individuals affected with dilated cardiomyopathy (PMID: 26899768, 34350506; communication with external laboratories: ClinVar SCV000209243.12, SCV000936231.5; Variation ID: 181617); one of these individuals also carried a pathogenic truncation variant the TTN gene (PMID: 26899768). This variant has been reported in individuals affected with hypertrophic cardiomyopathy (PMID: 12707239, 19645627, 22429680, 25524337). This variant has also been reported in multiple individuals not known to be affected with TNNT2-related disorders (PMID: 28007021, 28706299, 32355288, 34135346) This variant has been identified in 2/250100 chromosomes in the general population by the Genome Aggregation Database (gnomAD). A different variant affecting the same codon, p.Arg141Trp, is considered to be disease-causing (ClinVar variation ID: 12414), suggesting that arginine at this position is important for TNNT2 protein function. Although there is a suspicion that this variant may be associated with disease, additional studies are necessary to determine the role of this variant in disease conclusively. Therefore, this variant is classified as a Variant of Uncertain Significance.

This study involves interpretation of variants in research participants for the purpose of population health screening. Participant phenotype was not available at the time of variant classification. Additional details can be found in publication PMID: 35346344, PMCID: PMC8962531

Clinical Center for Gene Diagnosis and Therapy, Department of Cardiovascular Surgery, The Second Xiangya Hospital of Central South University
Classification: Pathogenic for Primary dilated cardiomyopathy. Last evaluated: 2023-06-01. Review status: criteria provided, single submitter. Criteria: ACMG Guidelines, 2015. Collection method: clinical testing. Allele origin: germline. Affected: yes.

CHEO Genetics Diagnostic Laboratory, Children's Hospital of Eastern Ontario
Classification: Uncertain significance for Cardiomyopathy. Last evaluated: 2020-11-23. Review status: criteria provided, single submitter. Criteria: ACMG Guidelines, 2015. Collection method: clinical testing. Allele origin: germline. Study: Canadian Open Genetics Repository.

Clinical Genetics Service, Universitary Hospital 12 de Octubre
Classification: Likely pathogenic for Hypertrophic cardiomyopathy 2. Review status: criteria provided, single submitter. Criteria: ACMG Guidelines, 2015. Collection method: clinical testing. Allele origin: germline. Affected: yes.

Juno Genomics, Hangzhou Juno Genomics, Inc
Classification: Likely pathogenic for Dilated cardiomyopathy 1D; Cardiomyopathy, familial restrictive, 3; Hypertrophic cardiomyopathy 2. Review status: criteria provided, single submitter. Criteria: ACMG Guidelines, 2015. Collection method: clinical testing. Allele origin: germline.
Comment: Novel missense change at an amino acid residue where a different missense change determined to be pathogenic has been seen before.;The prevalence of the variant in affected individuals is significantly increased compared to the prevalence in controls.;Located in a mutational hot spot and/or critical and well-established functional domain without benign variation.

Clinical Genetics Laboratory, University Hospital Schleswig-Holstein
Classification: Likely pathogenic for Dilated cardiomyopathy 1D. Last evaluated: 2024-01-23. Review status: no assertion criteria provided. Collection method: clinical testing. Allele origin: germline. Affected: yes. Not counted in ClinVar's aggregate classification.

Literature cited by the submitters: PubMed 19466586 (cited by 3 submitters); PubMed 34350506 (cited by 4 submitters); PubMed 36252119 (cited by 3 submitters); PubMed 37461109 (cited by Ambry Genetics); PubMed 11684629 (cited by 3billion and Labcorp Genetics (formerly Invitae), Labcorp); PubMed 14654368 (cited by Labcorp Genetics (formerly Invitae), Labcorp); PubMed 15769782 (cited by Labcorp Genetics (formerly Invitae), Labcorp); PubMed 21846512 (cited by Labcorp Genetics (formerly Invitae), Labcorp); PubMed 23539503 (cited by Labcorp Genetics (formerly Invitae), Labcorp); PubMed 24367593 (cited by Labcorp Genetics (formerly Invitae), Labcorp); PubMed 24992688 (cited by Labcorp Genetics (formerly Invitae), Labcorp); PubMed 26656454 (cited by Labcorp Genetics (formerly Invitae), Labcorp); PubMed 12707239 (cited by Color Diagnostics, LLC DBA Color Health and All of Us Research Program, National Institutes of Health); PubMed 19645627 (cited by Color Diagnostics, LLC DBA Color Health and All of Us Research Program, National Institutes of Health); PubMed 22429680 (cited by Color Diagnostics, LLC DBA Color Health and All of Us Research Program, National Institutes of Health); PubMed 25524337 (cited by Color Diagnostics, LLC DBA Color Health and All of Us Research Program, National Institutes of Health); PubMed 26899768 (cited by Color Diagnostics, LLC DBA Color Health and All of Us Research Program, National Institutes of Health); PubMed 27332903 (cited by Color Diagnostics, LLC DBA Color Health); PubMed 33996946 (cited by Color Diagnostics, LLC DBA Color Health); PubMed 38489124 (cited by Color Diagnostics, LLC DBA Color Health); PubMed 25741916 (cited by Lildballe Lab, Aarhus University Hospital); PubMed 39481677 (cited by Lildballe Lab, Aarhus University Hospital); PubMed 28007021 (cited by All of Us Research Program, National Institutes of Health); PubMed 28706299 (cited by All of Us Research Program, National Institutes of Health); PubMed 32355288 (cited by All of Us Research Program, National Institutes of Health); PubMed 34135346 (cited by All of Us Research Program, National Institutes of Health).